The following is an entry in ClinVar:

ClinVar aggregate classification (germline): Benign/Likely benign. Review status: criteria provided, multiple submitters, no conflicts (2 of 4 stars). 3 submissions from 3 submitters: Benign (1); Likely benign (2). Last evaluated 2026-01-17.

Allele frequency attached by ClinVar (database versions not stated): ExAC 0.00096; ESP Exome Variant Server 0.00100; gnomAD 0.00116; TOPMed 0.00147; gnomAD exomes 0.00159; 1000 Genomes Project 30x 0.00172; 1000 Genomes Project 0.00180.
gnomAD v4.1: 2,534 of 1,613,748 alleles (0.16%); highest among the groups gnomAD compares: Admixed American, 0.27%; 5 homozygotes.

Submissions (3):

Labcorp Genetics (formerly Invitae), Labcorp
Classification: Benign. Last evaluated: 2026-01-17. Review status: criteria provided, single submitter. Criteria: Invitae Variant Classification Sherloc (09022015). Collection method: clinical testing. Allele origin: germline.

Women's Health and Genetics/Laboratory Corporation of America, LabCorp
Classification: Likely benign. Last evaluated: 2025-07-15. Review status: criteria provided, single submitter. Criteria: LabCorp Variant Classification Summary - May 2015. Collection method: clinical testing. Allele origin: germline.
Comment: Variant summary: TG c.5402-16A>T alters a non-conserved nucleotide located at a position not widely known to affect splicing. Consensus agreement among computation tools predict no significant impact on normal splicing. However, these predictions have yet to be confirmed by functional studies. The variant allele was found at a frequency of 0.0011 in 251318 control chromosomes. This frequency is not significantly higher than estimated for a pathogenic variant in TG causing TG-Related Disorders, allowing no conclusion about variant significance. To our knowledge, no occurrence of c.5402-16A>T in individuals affected with TG-Related Disorders and no experimental evidence demonstrating its impact on protein function have been reported. ClinVar contains an entry for this variant (Variation ID: 3020549). Based on the evidence outlined above, the variant was classified as likely benign.

Blueprint Genetics
Classification: Likely benign. Last evaluated: 2024-11-18. Review status: criteria provided, single submitter. Criteria: ACMG Guidelines, 2015. Collection method: clinical testing. Allele origin: germline.

NM_003235.5(TG):c.5402-16A>T

Gene: TG (thyroglobulin; plus strand). Cytogenetic location: 8q24.22.
Variant type: single nucleotide variant.
Coding change: c.5402-16A>T on transcript NM_003235.5 (MANE Select); 16 bases into the intron before coding-DNA position 5402, A replaced by T.
Molecular consequence: intron variant.
Genome position (GRCh38, 1-based): chr8:132,960,992, A>T. VCF-style: chr8-132960992-A-T. GRCh37 (hg19) VCF-style: chr8-133973237-A-T.
Identifiers: ClinVar variation 3020549 (VCV003020549.5), dbSNP rs190112013, ClinGen allele CA4884489.